The following is an entry in ClinVar:

NM_000169.3(GLA):c.895G>C (p.Asp299His)

Genes: GLA (galactosidase alpha; minus strand), RPL36A-HNRNPH2 (RPL36A-HNRNPH2 readthrough; plus strand). Cytogenetic location: Xq22.1.
Variant type: single nucleotide variant.
Coding change: c.895G>C on transcript NM_000169.3 (MANE Select); coding-DNA position 895, G replaced by C.
Protein change: p.Asp299His; replaces aspartic acid 299 with histidine.
Molecular consequence: missense variant. On other transcripts: non-coding transcript variant (3), intron variant (2).
Genome position (GRCh38, 1-based): chrX:101,398,474, C>G on the plus strand (G>C on the coding strand, the complement: GLA is on the minus strand). VCF-style: chrX-101398474-C-G. GRCh37 (hg19) VCF-style: chrX-100653462-C-G.
Other names: c.1018G>C, p.Asp340His (NM_001406747.1); c.895G>C, p.Asp299His (NM_001406748.1); c.300+3017C>G (NM_001199973.2); c.177+6652C>G (NM_001199974.2); short protein forms D299H, D340H.
Identifiers: ClinVar variation 4087570 (VCV004087570.2).

ClinVar aggregate classification (germline): Uncertain significance (1 of 4 stars; one submission).

Conditions:
Fabry disease. Also called: ALPHA-GALACTOSIDASE A DEFICIENCY; ANDERSON-FABRY DISEASE; CERAMIDE TRIHEXOSIDASE DEFICIENCY; GLA DEFICIENCY; HEREDITARY DYSTOPIC LIPIDOSIS; Angiokeratoma corporis diffusum. Identifiers: Orphanet 324, MedGen C0002986, MONDO:0010526, OMIM 301500, HP:0001071. Disease mechanism: Fabry disease is due to inactivating mutations in the X-linked GLA gene resulting in deficiency of the enzyme Alpha Galactosidase-A., loss of function.

Submission:

Genomenon, Inc
Classification: Uncertain significance for Fabry disease. Last evaluated: 2026-09-08. Review status: criteria provided, single submitter. Criteria: Genomenon Sequence Variant Interpretation Standards - Updated. Collection method: curation. Allele origin: germline. Affected: yes.
Comment: GLA p.Asp299His (c.895G>C) is a missense variant that changes the amino acid at codon 299 from Aspartic acid to Histidine. This variant has been observed in at least one proband with clinical features consistent with Fabry disease (PMID:38002959). It is absent or not present at a significant frequency in gnomAD. In silico models predict that this variant is possibly or probably damaging. In conclusion, we classify GLA p.Asp299His (c.895G>C) as a variant of uncertain significance.

Literature cited by the submitters: PubMed 38002959.